The following is an entry in ClinVar:

ClinVar aggregate classification (germline): Pathogenic. Review status: criteria provided, multiple submitters, no conflicts (2 of 4 stars). 3 submissions from 3 submitters: Pathogenic (2). 1 of the submissions does not count toward it. Last evaluated 2025-01-23.
ClinVar aggregate classification (somatic clinical impact): Tier I - Strong (1 of 4 stars; one submission).

Conditions:
Kabuki syndrome 2 (KABUK2). Also called: KDM6A-Related Kabuki Syndrome. Identifiers: Orphanet 2322, MedGen C3275495, MONDO:0010465, OMIM 300867.
Medulloblastoma non-WNT/non-SHH group 4. Identifiers: MedGen C4330666, MONDO:0956967.

Allele frequency attached by ClinVar (database versions not stated): ExAC 0.00001; gnomAD 0.00001; 1000 Genomes Project 30x 0.00021; 1000 Genomes Project 0.00026.
gnomAD v4.1: 1 of 1,207,112 alleles (0.000083%); highest among the groups gnomAD compares: African/African-American, 0.0018%; no homozygotes.

Submissions (4):

Institute for Genomic Medicine (IGM) Clinical Laboratory, Nationwide Children's Hospital
Classification: Tier I - Strong for Medulloblastoma non-WNT/non-SHH group 4. Assertion type: diagnostic. Clinical significance: supports diagnosis. Last evaluated: 2025-11-03. Review status: criteria provided, single submitter. Criteria: AMP/ASCO/CAP Guidelines, 2017. Collection method: clinical testing. Allele origin: somatic. Affected: yes.
Comment: Variant has Tier I (strong) clinical significance as a diagnostic inclusion criterion in medulloblastoma non-WNT/non-SHH group 4, based on the following evidence: 1) Documented in one or more cancer databases (e.g., St. Jude Pecan, COSMIC, CIViC, OncoKB). 2) Appears in one or more well-established professional guidelines (e.g., World Health Organization [WHO]; National Comprehensive Cancer Network [NCCN]) as providing diagnostic, prognostic, or therapeutic information. 3) Information in the literature supports potential biologic effect of variant. 4) Diagnostic for a specific tumor type/classification based on well-powered studies with expert-level consensus (Evidence Level B).

Labcorp Genetics (formerly Invitae), Labcorp
Classification: Pathogenic for Kabuki syndrome 2. Last evaluated: 2025-01-23. Review status: criteria provided, single submitter. Criteria: Invitae Variant Classification Sherloc (09022015). Collection method: clinical testing. Allele origin: germline.
Comment: This sequence change creates a premature translational stop signal (p.Arg172*) in the KDM6A gene. It is expected to result in an absent or disrupted protein product. Loss-of-function variants in KDM6A are known to be pathogenic (PMID: 23076834, 23913813). This variant is not present in population databases (gnomAD no frequency). This premature translational stop signal has been observed in individual(s) with Kabuki syndrome (PMID: 24527667). ClinVar contains an entry for this variant (Variation ID: 981697). Algorithms developed to predict the effect of sequence changes on RNA splicing suggest that this variant may disrupt the consensus splice site. For these reasons, this variant has been classified as Pathogenic.

Victorian Clinical Genetics Services, Murdoch Childrens Research Institute
Classification: Pathogenic for Kabuki syndrome 2. Last evaluated: 2020-05-26. Review status: criteria provided, single submitter. Criteria: ACMG Guidelines, 2015. Collection method: clinical testing. Allele origin: germline. Inheritance: X-linked dominant inheritance. Affected: yes.
Comment: Based on the classification scheme VCGS_Germline_v1.1.1, this variant is classified as Pathogenic. Following criteria are met: 0102 - Loss-of-function is a known mechanism of disease for this gene. (N) 0110 - This gene is known to be associated with X-linked dominant disease. (N) 0201 - Variant is predicted to cause nonsense-mediated decay (NMD) and loss of protein (exon 6 of 29). (P) 0251 - Variant is heterozygous. (N) 0301 - Variant is absent from gnomAD. (P) 0701 - Comparable variants have very strong previous evidence for pathogenicity. Many NMD-predicted variants in KDM6A have been reported as pathogenic (ClinVar and PMIDs: 24527667 and 30107592). (P) 0801 - Strong previous evidence of pathogenicity in unrelated individuals. This variant has been reported as de novo in at least 2 patients with Kabuki syndrome (PMIDs: 24527667, 30107592 and 27302555). (P) 1208 - Inheritance information for this variant is not currently available. (N) Legend: (P) - Pathogenic, (N) - Neutral, (B) - Benign

Autoinflammatory diseases unit, CHU de Montpellier
Classification: Pathogenic for Kabuki syndrome 2. Last evaluated: 2013-10-01. Review status: no assertion criteria provided. Collection method: clinical testing. Allele origin: de novo. Affected: yes. Not counted in ClinVar's aggregate classification.

Literature cited by the submitters: PubMed 23076834 (cited by Labcorp Genetics (formerly Invitae), Labcorp); PubMed 23913813 (cited by Labcorp Genetics (formerly Invitae), Labcorp); PubMed 24527667 (cited by Labcorp Genetics (formerly Invitae), Labcorp and Victorian Clinical Genetics Services, Murdoch Childrens Research Institute); PubMed 27302555 (cited by Victorian Clinical Genetics Services, Murdoch Childrens Research Institute); PubMed 30107592 (cited by Victorian Clinical Genetics Services, Murdoch Childrens Research Institute).

NM_001291415.2(KDM6A):c.514C>T (p.Arg172Ter)

Gene: KDM6A (lysine demethylase 6A; plus strand). Cytogenetic location: Xp11.3.
Variant type: single nucleotide variant.
Coding change: c.514C>T on transcript NM_001291415.2 (MANE Select); coding-DNA position 514, C replaced by T.
Protein change: p.Arg172Ter; replaces arginine 172 with a stop codon.
Molecular consequence: nonsense. On other transcripts: non-coding transcript variant (1), intron variant (1).
Genome position (GRCh38, 1-based): chrX:45,020,680, C>T. VCF-style: chrX-45020680-C-T. GRCh37 (hg19) VCF-style: chrX-44879925-C-T.
Other names: c.514C>T, p.Arg172Ter (NM_001291416.2, NM_001291417.2, NM_001291418.2 and 1 more transcripts); c.-190+9661C>T (NM_001291421.2); short protein forms R172*.
Identifiers: ClinVar variation 981697 (VCV000981697.8), dbSNP rs189751539, ClinGen allele CA10392196.